The following is an entry in ClinVar:

ClinVar aggregate classification (germline): Likely pathogenic (1 of 4 stars; one submission).

Conditions:
Primary familial dilated cardiomyopathy (FDC). Also called: Familial dilated cardiomyopathy; Hypokinetic dilated cardiomyopathy, familial. Identifiers: Orphanet 217607, MedGen C0340427, MONDO:0016333.

Submission:

Women's Health and Genetics/Laboratory Corporation of America, LabCorp
Classification: Likely pathogenic for Primary familial dilated cardiomyopathy. Last evaluated: 2025-01-16. Review status: criteria provided, single submitter. Criteria: LabCorp Variant Classification Summary - May 2015. Collection method: clinical testing. Allele origin: germline.
Comment: Variant summary: TTN c.31126G>T (p.Glu10376X) results in a premature termination codon, predicted to cause a truncation of the encoded protein or absence of the protein due to nonsense mediated decay, which are commonly known mechanisms for disease. Loss of function variants in all TTN bands are strongly associated with a spectrum of autosomal recessive titinopathies when exon expression (proportion spliced in, PSI, 1=complete expression) in skeletal muscle is >0.1 (PMID: 36977548, 39198997, 29598826, 32778822, 29691892, 33449170, 36977548, internal data). In contrast, loss of function variants in all TTN bands are only strongly associated with autosomal dominant TTN-related cardiomyopathies if located in exons constitutively expressed (PSI >0.9) in cardiac muscle, excluding extreme C-terminal exons 359-363 (PMID: 25589632, 31216868, 32964742, 34662387, 27869827, Shetty et al., Nat Cardiovasc Res 2024,, internal data). This variant has a maximum skeletal muscle PSI of 0.699 and a maximum cardiac muscle PSI of 0.020. The variant was absent in 202612 control chromosomes. To our knowledge, no occurrence of c.31126G>T in individuals affected with TTN-related conditions and no experimental evidence demonstrating its impact on protein function have been reported. ClinVar contains an entry for this variant (Variation ID: 2429302). Based on the evidence outlined above, the variant was classified as likely pathogenic for autosomal recessive TTN-related conditions.

NM_001267550.2(TTN):c.35029G>T (p.Glu11677Ter)

Gene: TTN (titin; minus strand). Cytogenetic location: 2q31.2.
Variant type: single nucleotide variant.
Coding change: c.35029G>T on transcript NM_001267550.2 (MANE Select); coding-DNA position 35029, G replaced by T.
Protein change: p.Glu11677Ter; replaces glutamic acid 11677 with a stop codon.
Molecular consequence: nonsense. On other transcripts: intron variant (3).
Genome position (GRCh38, 1-based): chr2:178,672,169, C>A on the plus strand (G>T on the coding strand, the complement: TTN is on the minus strand). VCF-style: chr2-178672169-C-A. GRCh37 (hg19) VCF-style: chr2-179536896-C-A.
Other names: c.33907G>T, p.Glu11303Ter (NM_001256850.1); c.31126G>T, p.Glu10376Ter (NM_133378.4); c.13283-29852G>T (NM_003319.4); c.13859-29852G>T (NM_133437.4); c.13658-29852G>T (NM_133432.3); short protein forms E10376*, E11303*, E11677*.
Identifiers: ClinVar variation 2429302 (VCV002429302.5), dbSNP rs2473466976, ClinGen allele CA349518453.